The following is an entry in ClinVar:

ClinVar aggregate classification (germline): Uncertain significance (1 of 4 stars; one submission).

Submission:

Labcorp Genetics (formerly Invitae), Labcorp
Classification: Uncertain significance. Last evaluated: 2025-03-24. Review status: criteria provided, single submitter. Criteria: Invitae Variant Classification Sherloc (09022015). Collection method: clinical testing. Allele origin: germline.
Comment: This sequence change replaces proline, which is neutral and non-polar, with alanine, which is neutral and non-polar, at codon 67 of the COL4A4 protein (p.Pro67Ala). Information on the frequency of this variant in the gnomAD database is not available, as this variant may be reported differently in the database. This variant has not been reported in the literature in individuals affected with COL4A4-related conditions. Experimental studies and prediction algorithms are not available or were not evaluated, and the functional significance of this variant is currently unknown. In summary, the available evidence is currently insufficient to determine the role of this variant in disease. Therefore, it has been classified as a Variant of Uncertain Significance.

NM_000092.5(COL4A4):c.198_199delinsTG (p.Pro67Ala)

Gene: COL4A4 (collagen type IV alpha 4 chain; minus strand). Cytogenetic location: 2q36.3.
Variant type: Indel.
Coding change: c.198_199delinsTG on transcript NM_000092.5 (MANE Select); coding-DNA positions 198 to 199, AC replaced by TG.
Protein change: p.Pro67Ala; replaces proline 67 with alanine.
Molecular consequence: missense variant.
Genome position (GRCh38, 1-based): chr2:227,121,142-227,121,143, GT replaced by CA on the plus strand (AC replaced by TG on the coding strand, the reverse complement: COL4A4 is on the minus strand). VCF-style: chr2-227121142-GT-CA. GRCh37 (hg19) VCF-style: chr2-227985858-GT-CA.
Other names: short protein forms P67A.
Identifiers: ClinVar variation 4754187 (VCV004754187.1).